The following is an entry in ClinVar:

NM_002878.4(RAD51D):c.187G>T (p.Ala63Ser)

Genes: RAD51D (RAD51 paralog D; minus strand), RAD51L3-RFFL (RAD51L3-RFFL readthrough; minus strand). Cytogenetic location: 17q12.
Variant type: single nucleotide variant.
Coding change: c.187G>T on transcript NM_002878.4 (MANE Select); coding-DNA position 187, G replaced by T.
Protein change: p.Ala63Ser; replaces alanine 63 with serine.
Molecular consequence: missense variant. On other transcripts: intron variant (2).
Genome position (GRCh38, 1-based): chr17:35,118,577, C>A on the plus strand (G>T on the coding strand, the complement: RAD51D is on the minus strand). VCF-style: chr17-35118577-C-A. GRCh37 (hg19) VCF-style: chr17-33445596-C-A.
Other names: c.144+534G>T (NM_133629.3, NM_001142571.2); short protein forms A63S.
Identifiers: ClinVar variation 1781869 (VCV001781869.7), dbSNP rs777402267, ClinGen allele CA399091449.
Genomic context (GRCh38, chr17:35,118,577, plus strand): 5'-ACAGGATGGCAGTGGAGGTCTTCAGTTCCTCGTAGAGATCAGCGCCATTCACGGGGAAAG[C>A]CGAGAACTGAGCCAGCAGCACCCGCCTCAGGGCAACCAGGGCCTGCCAAAGGGCCCCAGA-3'
Protein context (NP_002869.3, residues 53-73): LRRVLLAQFS[Ala63Ser]FPVNGADLYE

ClinVar aggregate classification (germline): Uncertain significance. Review status: criteria provided, multiple submitters, no conflicts (2 of 4 stars). 2 submissions from 2 submitters: Uncertain significance (2). Last evaluated 2022-04-18.

Conditions:
Hereditary cancer-predisposing syndrome. Also called: Neoplastic Syndromes, Hereditary; Tumor predisposition; Hereditary Cancer Syndrome; Hereditary neoplastic syndrome. Identifiers: Orphanet 140162, MedGen C0027672, MeSH D009386, MONDO:0015356.
Breast-ovarian cancer, familial, susceptibility to, 4. Identifiers: Orphanet 145, MedGen C3280345, MONDO:0013669, OMIM 614291.

gnomAD v4.1: 1 of 1,614,194 alleles (0.000062%); highest among the groups gnomAD compares: Non-Finnish European, 0.000085%; no homozygotes.

Submissions (2):

Ambry Genetics
Classification: Uncertain significance for Hereditary cancer-predisposing syndrome. Last evaluated: 2022-04-18. Review status: criteria provided, single submitter. Criteria: Ambry Variant Classification Scheme 2023. Collection method: clinical testing. Allele origin: germline.
Comment: The p.A63S variant (also known as c.187G>T), located in coding exon 3 of the RAD51D gene, results from a G to T substitution at nucleotide position 187. The alanine at codon 63 is replaced by serine, an amino acid with similar properties. This amino acid position is well conserved in available vertebrate species. In addition, this alteration is predicted to be tolerated by in silico analysis. Since supporting evidence is limited at this time, the clinical significance of this alteration remains unclear.

Labcorp Genetics (formerly Invitae), Labcorp
Classification: Uncertain significance for Breast-ovarian cancer, familial, susceptibility to, 4. Last evaluated: 2022-04-09. Review status: criteria provided, single submitter. Criteria: Invitae Variant Classification Sherloc (09022015). Collection method: clinical testing. Allele origin: germline.
Comment: This sequence change replaces alanine, which is neutral and non-polar, with serine, which is neutral and polar, at codon 63 of the RAD51D protein (p.Ala63Ser). In summary, the available evidence is currently insufficient to determine the role of this variant in disease. Therefore, it has been classified as a Variant of Uncertain Significance. Algorithms developed to predict the effect of missense changes on protein structure and function (SIFT, PolyPhen-2, Align-GVGD) all suggest that this variant is likely to be tolerated. This variant has not been reported in the literature in individuals affected with RAD51D-related conditions. This variant is present in population databases (no rsID available, gnomAD 0.0009%).